The following is an entry in ClinVar:

NM_004725.4(BUB3):c.266A>C (p.Glu89Ala)

Gene: BUB3 (BUB3 mitotic checkpoint protein; plus strand). Cytogenetic location: 10q26.13.
Variant type: single nucleotide variant.
Coding change: c.266A>C on transcript NM_004725.4 (MANE Select); coding-DNA position 266, A replaced by C.
Protein change: p.Glu89Ala; replaces glutamic acid 89 with alanine.
Molecular consequence: missense variant.
Genome position (GRCh38, 1-based): chr10:123,157,729, A>C. VCF-style: chr10-123157729-A-C. GRCh37 (hg19) VCF-style: chr10-124917245-A-C.
Other names: c.266A>C, p.Glu89Ala (NM_001007793.3); short protein forms E89A.
Identifiers: ClinVar variation 3483292 (VCV003483292.1).

ClinVar aggregate classification (germline): Uncertain significance (1 of 4 stars; one submission).

Submission:

Ambry Genetics
Classification: Uncertain significance. Last evaluated: 2024-09-22. Review status: criteria provided, single submitter. Criteria: Ambry Variant Classification Scheme 2023. Collection method: clinical testing. Allele origin: germline.
Comment: The p.E89A variant (also known as c.266A>C) is located in coding exon 3 of the BUB3 gene. The glutamic acid at codon 89 is replaced by alanine, an amino acid with dissimilar properties. This change occurs in the first base pair of coding exon 3. This amino acid position is conserved. In addition, this alteration is predicted to be tolerated by in silico analysis. Based on the available evidence, the clinical significance of this variant remains unclear.